The following is an entry in ClinVar:

ClinVar aggregate classification (germline): Uncertain significance (1 of 4 stars; one submission).

Conditions:
Multiple endocrine neoplasia, type 1 (MEN1). Also called: MEN I; WERMER SYNDROME; Endocrine adenomatosis multiple; MEN 1; MEA I. Identifiers: Orphanet 652, MedGen C0025267, MeSH D018761, MONDO:0007540, OMIM 131100.

Submission:

Labcorp Genetics (formerly Invitae), Labcorp
Classification: Uncertain significance for Multiple endocrine neoplasia, type 1. Last evaluated: 2024-04-30. Review status: criteria provided, single submitter. Criteria: Invitae Variant Classification Sherloc (09022015). Collection method: clinical testing. Allele origin: germline.
Comment: This sequence change replaces isoleucine, which is neutral and non-polar, with methionine, which is neutral and non-polar, at codon 125 of the MEN1 protein (p.Ile125Met). This variant is not present in population databases (gnomAD no frequency). This variant has not been reported in the literature in individuals affected with MEN1-related conditions. Advanced modeling of protein sequence and biophysical properties (such as structural, functional, and spatial information, amino acid conservation, physicochemical variation, residue mobility, and thermodynamic stability) performed at Invitae indicates that this missense variant is expected to disrupt MEN1 protein function with a positive predictive value of 95%. In summary, the available evidence is currently insufficient to determine the role of this variant in disease. Therefore, it has been classified as a Variant of Uncertain Significance.

NM_001370259.2(MEN1):c.375A>G (p.Ile125Met)

Gene: MEN1 (menin 1; minus strand). Cytogenetic location: 11q13.1.
Variant type: single nucleotide variant.
Coding change: c.375A>G on transcript NM_001370259.2 (MANE Select); coding-DNA position 375, A replaced by G.
Protein change: p.Ile125Met; replaces isoleucine 125 with methionine.
Molecular consequence: missense variant. On other transcripts: non-coding transcript variant (4).
Genome position (GRCh38, 1-based): chr11:64,809,735, T>C on the plus strand (A>G on the coding strand, the complement: MEN1 is on the minus strand). VCF-style: chr11-64809735-T-C. GRCh37 (hg19) VCF-style: chr11-64577207-T-C.
Other names: c.375A>G, p.Ile125Met (NM_000244.4, NM_001370251.2, NM_001370260.2 and 20 more transcripts); short protein forms I125M.
Identifiers: ClinVar variation 3634212 (VCV003634212.2).
Genomic context (GRCh38, chr11:64,809,735, plus strand): 5'-GCTGAAGAGGGACTGGATGTGGGCCCGATCCTTGAAGTAGGAGCGGCTGAGGCTGTTCCA[T>C]ATGACATCGGAGACCTTCTTCACCAGCTCACGGCTGGAGACACCCCCTTCTCGAGGATAG-3'
Protein context (NP_001357188.2, residues 115-135): RELVKKVSDV[Ile125Met]WNSLSRSYFK